The following is an entry in ClinVar:

ClinVar aggregate classification (germline): Likely benign. Review status: criteria provided, multiple submitters, no conflicts (2 of 4 stars). 3 submissions from 3 submitters: Likely benign (3). Last evaluated 2026-01-04.

Allele frequency attached by ClinVar (database versions not stated): gnomAD exomes 0.00004 and 0.00009; gnomAD 0.00009; TOPMed 0.00009; ExAC 0.00012; ESP Exome Variant Server 0.00017.
gnomAD v4.1: 80 of 1,614,108 alleles (0.005%); highest among the groups gnomAD compares: Middle Eastern, 0.18%; no homozygotes.

Submissions (3):

Labcorp Genetics (formerly Invitae), Labcorp
Classification: Likely benign. Last evaluated: 2026-01-04. Review status: criteria provided, single submitter. Criteria: Invitae Variant Classification Sherloc (09022015). Collection method: clinical testing. Allele origin: germline.

CeGaT Center for Human Genetics Tuebingen
Classification: Likely benign. Last evaluated: 2026-01-01. Review status: criteria provided, single submitter. Criteria: CeGaT Center For Human Genetics Tuebingen Variant Classification Criteria Version 2. Collection method: clinical testing. Allele origin: germline. Affected: yes. Observed: 2 variant alleles.
Comment: TUBGCP4: BP4, BP7

Blueprint Genetics
Classification: Likely benign. Last evaluated: 2024-05-07. Review status: criteria provided, single submitter. Criteria: ACMG Guidelines, 2015. Collection method: clinical testing. Allele origin: germline.

NM_014444.5(TUBGCP4):c.1602T>C (p.Asp534=)

Gene: TUBGCP4 (tubulin gamma complex component 4; plus strand). Cytogenetic location: 15q15.3.
Variant type: single nucleotide variant.
Coding change: c.1602T>C on transcript NM_014444.5 (MANE Select); coding-DNA position 1602, T replaced by C.
Protein change: p.Asp534=; no amino-acid change (aspartic acid 534 retained).
Molecular consequence: synonymous variant.
Genome position (GRCh38, 1-based): chr15:43,401,721, T>C. VCF-style: chr15-43401721-T-C. GRCh37 (hg19) VCF-style: chr15-43693919-T-C.
Other names: c.1605T>C, p.Asp535= (NM_001286414.3).
Identifiers: ClinVar variation 1587231 (VCV001587231.26), dbSNP rs374986339, ClinGen allele CA7524143.